The following is an entry in ClinVar:

ClinVar aggregate classification (germline): Uncertain significance. Review status: criteria provided, multiple submitters, no conflicts (2 of 4 stars). 5 submissions from 5 submitters: Uncertain significance (5). Last evaluated 2025-12-03.

Conditions:
Inborn genetic diseases. Identifiers: MedGen C0950123, MeSH D030342.

Allele frequency attached by ClinVar (database versions not stated): gnomAD 0.00004; ExAC 0.00003; gnomAD exomes 0.00005; TOPMed 0.00005; ESP Exome Variant Server 0.00008.
gnomAD v4.1: 100 of 1,613,430 alleles (0.0062%); highest among the groups gnomAD compares: Admixed American, 0.012%; no homozygotes.

Submissions (5):

Labcorp Genetics (formerly Invitae), Labcorp
Classification: Uncertain significance. Last evaluated: 2025-12-03. Review status: criteria provided, single submitter. Criteria: Invitae Variant Classification Sherloc (09022015). Collection method: clinical testing. Allele origin: germline.
Comment: This sequence change replaces arginine, which is basic and polar, with tryptophan, which is neutral and slightly polar, at codon 492 of the HK1 protein (p.Arg492Trp). This variant is present in population databases (rs373626952, gnomAD 0.02%). This variant has not been reported in the literature in individuals affected with HK1-related conditions. ClinVar contains an entry for this variant (Variation ID: 1064245). Invitae Evidence Modeling of protein sequence and biophysical properties (such as structural, functional, and spatial information, amino acid conservation, physicochemical variation, residue mobility, and thermodynamic stability) has been performed for this missense variant. However, the output from this modeling did not meet the statistical confidence thresholds required to predict the impact of this variant on HK1 protein function. In summary, the available evidence is currently insufficient to determine the role of this variant in disease. Therefore, it has been classified as a Variant of Uncertain Significance.

Ambry Genetics
Classification: Uncertain significance for Inborn genetic diseases. Last evaluated: 2025-07-08. Review status: criteria provided, single submitter. Criteria: Ambry Variant Classification Scheme 2023. Collection method: clinical testing. Allele origin: germline.

Blueprint Genetics
Classification: Uncertain significance. Last evaluated: 2024-03-12. Review status: criteria provided, single submitter. Criteria: ACMG Guidelines, 2015. Collection method: clinical testing. Allele origin: germline.

Revvity Omics, Revvity
Classification: Uncertain significance. Last evaluated: 2023-08-03. Review status: criteria provided, single submitter. Criteria: ACMG Guidelines, 2015. Collection method: clinical testing. Allele origin: germline.

Mayo Clinic Laboratories, Mayo Clinic
Classification: Uncertain significance. Last evaluated: 2022-09-28. Review status: criteria provided, single submitter. Criteria: ACMG Guidelines, 2015. Collection method: clinical testing. Allele origin: germline. Observed: 1 variant allele.
Comment: PP3, PM2

NM_000188.3(HK1):c.1474C>T (p.Arg492Trp)

Gene: HK1 (hexokinase 1; plus strand). Cytogenetic location: 10q22.1.
Variant type: single nucleotide variant.
Coding change: c.1474C>T on transcript NM_000188.3 (MANE Select); coding-DNA position 1474, C replaced by T.
Protein change: p.Arg492Trp; replaces arginine 492 with tryptophan.
Molecular consequence: missense variant.
Genome position (GRCh38, 1-based): chr10:69,382,695, C>T. VCF-style: chr10-69382695-C-T. GRCh37 (hg19) VCF-style: chr10-71142451-C-T.
Other names: p.Arg491Trp; c.1486C>T, p.Arg496Trp (NM_001322364.2, NM_001358263.1, NM_033497.3 and 1 more transcripts); c.1579C>T, p.Arg527Trp (NM_001322365.2); c.1390C>T, p.Arg464Trp (NM_001322366.1); c.1378C>T, p.Arg460Trp (NM_001322367.1); c.1471C>T, p.Arg491Trp (NM_033496.3); c.1438C>T, p.Arg480Trp (NM_033500.2); c.1471C>T (NM_033496.2); and 1 more; short protein forms R460W, R464W, R480W, R491W, R492W, R496W, R527W.
Identifiers: ClinVar variation 1064245 (VCV001064245.14), dbSNP rs373626952, ClinGen allele CA5532606.